The following is an entry in ClinVar:

NM_201596.3(CACNB2):c.1021A>G (p.Ile341Val)

Gene: CACNB2 (calcium voltage-gated channel auxiliary subunit beta 2; plus strand). Cytogenetic location: 10p12.31.
Variant type: single nucleotide variant.
Coding change: c.1021A>G on transcript NM_201596.3 (MANE Select); coding-DNA position 1021, A replaced by G.
Protein change: p.Ile341Val; replaces isoleucine 341 with valine.
Molecular consequence: missense variant.
Genome position (GRCh38, 1-based): chr10:18,527,664, A>G. VCF-style: chr10-18527664-A-G. GRCh37 (hg19) VCF-style: chr10-18816593-A-G.
Other names: c.856A>G, p.Ile286Val (NM_000724.4); c.823A>G, p.Ile275Val (NM_001167945.2); c.742A>G, p.Ile248Val (NM_001330060.2); c.877A>G, p.Ile293Val (NM_201570.3); c.937A>G, p.Ile313Val (NM_201571.4); c.865A>G, p.Ile289Val (NM_201572.4); c.859A>G, p.Ile287Val (NM_201590.3); c.907A>G, p.Ile303Val (NM_201593.3); and 2 more; short protein forms I248V, I275V, I286V, I287V, I289V, I293V, I303V, I313V.
Identifiers: ClinVar variation 1008235 (VCV001008235.6), dbSNP rs2052613832, ClinGen allele CA376065317.

ClinVar aggregate classification (germline): Uncertain significance. Review status: criteria provided, multiple submitters, no conflicts (2 of 4 stars). 2 submissions from 2 submitters: Uncertain significance (2). Last evaluated 2024-01-11.

Conditions:
Cardiovascular phenotype. Identifiers: MedGen CN230736.
Brugada syndrome 4 (BRGDA4). Identifiers: Orphanet 130, MedGen C2678477, MONDO:0012743, OMIM 611876.

Allele frequency attached by ClinVar (database versions not stated): TOPMed below 0.00001; gnomAD exomes 0.00001.
gnomAD v4.1: 15 of 1,613,784 alleles (0.00093%); highest among the groups gnomAD compares: Non-Finnish European, 0.0011%; no homozygotes.

Submissions (2):

Ambry Genetics
Classification: Uncertain significance for Cardiovascular phenotype. Last evaluated: 2024-01-11. Review status: criteria provided, single submitter. Criteria: Ambry Variant Classification Scheme 2023. Collection method: clinical testing. Allele origin: germline.
Comment: The p.I287V variant (also known as c.859A>G), located in coding exon 9 of the CACNB2 gene, results from an A to G substitution at nucleotide position 859. The isoleucine at codon 287 is replaced by valine, an amino acid with highly similar properties. This amino acid position is conserved. In addition, this alteration is predicted to be tolerated by in silico analysis. Since supporting evidence is limited at this time, the clinical significance of this alteration remains unclear.

Labcorp Genetics (formerly Invitae), Labcorp
Classification: Uncertain significance for Brugada syndrome 4. Last evaluated: 2021-09-02. Review status: criteria provided, single submitter. Criteria: Invitae Variant Classification Sherloc (09022015). Collection method: clinical testing. Allele origin: germline.
Comment: This sequence change replaces isoleucine with valine at codon 287 of the CACNB2 protein (p.Ile287Val). The isoleucine residue is highly conserved and there is a small physicochemical difference between isoleucine and valine. This variant is not present in population databases (ExAC no frequency). This variant has not been reported in the literature in individuals affected with CACNB2-related conditions. Algorithms developed to predict the effect of missense changes on protein structure and function (SIFT, PolyPhen-2, Align-GVGD) all suggest that this variant is likely to be tolerated. In summary, the available evidence is currently insufficient to determine the role of this variant in disease. Therefore, it has been classified as a Variant of Uncertain Significance.